The following is an entry in ClinVar:

NM_013275.6(ANKRD11):c.2706G>C (p.Glu902Asp)

Gene: ANKRD11 (ankyrin repeat domain 11; minus strand). Cytogenetic location: 16q24.3.
Variant type: single nucleotide variant.
Coding change: c.2706G>C on transcript NM_013275.6 (MANE Select); coding-DNA position 2706, G replaced by C.
Protein change: p.Glu902Asp; replaces glutamic acid 902 with aspartic acid.
Molecular consequence: missense variant.
Genome position (GRCh38, 1-based): chr16:89,283,836, C>G on the plus strand (G>C on the coding strand, the complement: ANKRD11 is on the minus strand). VCF-style: chr16-89283836-C-G. GRCh37 (hg19) VCF-style: chr16-89350244-C-G.
Other names: c.2706G>C, p.Glu902Asp (NM_001256182.2, NM_001256183.2); short protein forms E902D.
Identifiers: ClinVar variation 1794988 (VCV001794988.5), dbSNP rs750158756, ClinGen allele CA397161617.

ClinVar aggregate classification (germline): Conflicting classifications of pathogenicity. Review status: criteria provided, conflicting classifications (1 of 4 stars). 2 submissions from 2 submitters: Uncertain significance (1); Likely benign (1). Last evaluated 2025-09-02.

Conditions:
KBG syndrome (KBGS). Also called: ANKRD11-Related KBG Syndrome. Identifiers: Orphanet 2332, MedGen C0220687, MONDO:0007846, OMIM 148050.
Inborn genetic diseases. Identifiers: MedGen C0950123, MeSH D030342.

Submissions (2):

Labcorp Genetics (formerly Invitae), Labcorp
Classification: Uncertain significance for KBG syndrome. Last evaluated: 2025-09-02. Review status: criteria provided, single submitter. Criteria: Invitae Variant Classification Sherloc (09022015). Collection method: clinical testing. Allele origin: germline.
Comment: This sequence change replaces glutamic acid, which is acidic and polar, with aspartic acid, which is acidic and polar, at codon 902 of the ANKRD11 protein (p.Glu902Asp). This variant is not present in population databases (gnomAD no frequency). This variant has not been reported in the literature in individuals affected with ANKRD11-related conditions. ClinVar contains an entry for this variant (Variation ID: 1794988). Invitae Evidence Modeling of protein sequence and biophysical properties (such as structural, functional, and spatial information, amino acid conservation, physicochemical variation, residue mobility, and thermodynamic stability) indicates that this missense variant is not expected to disrupt ANKRD11 protein function with a negative predictive value of 95%. In summary, the available evidence is currently insufficient to determine the role of this variant in disease. Therefore, it has been classified as a Variant of Uncertain Significance.

Ambry Genetics
Classification: Likely benign for Inborn genetic diseases. Last evaluated: 2018-05-16. Review status: criteria provided, single submitter. Criteria: Ambry Variant Classification Scheme 2023. Collection method: clinical testing. Allele origin: germline.